The following is an entry in ClinVar:

ClinVar aggregate classification (germline): Benign/Likely benign. Review status: criteria provided, multiple submitters, no conflicts (2 of 4 stars). 6 submissions from 6 submitters: Benign (2); Likely benign (4). Last evaluated 2026-07-27.

Conditions:
SMARCA4-related disorder. Also called: SMARCA4-related condition.
Rhabdoid tumor predisposition syndrome 2 (RTPS2). Identifiers: Orphanet 231108, Orphanet 69077, MedGen C2750074, MONDO:0013224, OMIM 613325.
Hereditary cancer-predisposing syndrome. Also called: Hereditary Cancer Syndrome; Hereditary neoplastic syndrome; Neoplastic Syndromes, Hereditary; Tumor predisposition. Identifiers: Orphanet 140162, MedGen C0027672, MeSH D009386, MONDO:0015356.

Allele frequency attached by ClinVar (database versions not stated): gnomAD exomes 0.00003 and 0.00002; gnomAD 0.00002; TOPMed 0.00002.
gnomAD v4.1: 33 of 1,550,866 alleles (0.0021%); highest among the groups gnomAD compares: East Asian, 0.012%; no homozygotes.

Submissions (6):

Myriad Genetics, Inc.
Classification: Benign for Rhabdoid tumor predisposition syndrome 2. Last evaluated: 2026-07-27. Review status: criteria provided, single submitter. Criteria: Myriad Autosomal Dominant, Autosomal Recessive and X-Linked Classification Criteria (2023). Collection method: clinical testing. Allele origin: unknown.
Comment: This variant is considered benign. This variant is a silent/synonymous amino acid change and it is not expected to impact splicing.

Labcorp Genetics (formerly Invitae), Labcorp
Classification: Likely benign for Rhabdoid tumor predisposition syndrome 2. Last evaluated: 2026-02-03. Review status: criteria provided, single submitter. Criteria: Invitae Variant Classification Sherloc (09022015). Collection method: clinical testing. Allele origin: germline.

PreventionGenetics, part of Exact Sciences
Classification: Likely benign for SMARCA4-related condition. Last evaluated: 2025-11-29. Review status: criteria provided, single submitter. Criteria: ACMG Guidelines, 2015. Collection method: clinical testing. Allele origin: germline.
Comment: This variant is classified as likely benign based on ACMG/AMP sequence variant interpretation guidelines (Richards et al. 2015 PMID: 25741868, with internal and published modifications).

Quest Diagnostics Nichols Institute San Juan Capistrano
Classification: Benign. Last evaluated: 2025-09-08. Review status: criteria provided, single submitter. Criteria: Quest Diagnostics criteria. Collection method: clinical testing. Allele origin: unknown.

CeGaT Center for Human Genetics Tuebingen
Classification: Likely benign. Last evaluated: 2022-03-01. Review status: criteria provided, single submitter. Criteria: CeGaT Center For Human Genetics Tuebingen Variant Classification Criteria Version 2. Collection method: clinical testing. Allele origin: germline. Affected: yes. Observed: 1 variant allele.
Comment: SMARCA4: BP4, BP7

Ambry Genetics
Classification: Likely benign for Hereditary cancer-predisposing syndrome. Last evaluated: 2016-01-12. Review status: criteria provided, single submitter. Criteria: Ambry Variant Classification Scheme 2023. Collection method: clinical testing. Allele origin: germline.

NM_003072.5(SMARCA4):c.4833C>T (p.Gly1611=)

Gene: SMARCA4 (SWI/SNF related BAF chromatin remodeling complex subunit ATPase 4; plus strand). Cytogenetic location: 19p13.2.
Variant type: single nucleotide variant.
Coding change: c.4833C>T on transcript NM_003072.5 (MANE Select); coding-DNA position 4833, C replaced by T.
Protein change: p.Gly1611=; no amino-acid change (glycine 1611 retained).
Molecular consequence: synonymous variant. On other transcripts: non-coding transcript variant (1).
Genome position (GRCh38, 1-based): chr19:11,060,109, C>T. VCF-style: chr19-11060109-C-T. GRCh37 (hg19) VCF-style: chr19-11170785-C-T.
Other names: c.4734C>T, p.Gly1578= (NM_001128847.4, NM_001374457.1); c.4731C>T, p.Gly1577= (NM_001128848.2); c.4929C>T, p.Gly1643= (NM_001128849.3, NM_001387283.1); c.4833C>T, p.Gly1611= (NM_001128844.3); c.4743C>T, p.Gly1581= (NM_001128845.2); c.4740C>T, p.Gly1580= (NM_001128846.2).
Identifiers: ClinVar variation 415084 (VCV000415084.42), dbSNP rs558890921, ClinGen allele CA16615982.